The following is an entry in ClinVar:

ClinVar aggregate classification (germline): Benign/Likely benign. Review status: criteria provided, multiple submitters, no conflicts (2 of 4 stars). 4 submissions from 4 submitters: Benign (1); Likely benign (3). Last evaluated 2024-10-24.

Conditions:
Hereditary cancer-predisposing syndrome. Also called: Tumor predisposition; Hereditary neoplastic syndrome; Neoplastic Syndromes, Hereditary; Hereditary Cancer Syndrome. Identifiers: Orphanet 140162, MedGen C0027672, MeSH D009386, MONDO:0015356.
Familial cancer of breast. Also called: hereditary breast carcinoma; BREAST CANCER, FAMILIAL; Hereditary breast cancer. Identifiers: Orphanet 227535, MedGen C0346153, MONDO:0016419, OMIM 114480. Disease mechanism: loss of function.

Allele frequency attached by ClinVar (database versions not stated): gnomAD exomes below 0.00001.
gnomAD v4.1: 1 of 1,613,526 alleles (0.000062%); highest among the groups gnomAD compares: Non-Finnish European, 0.000085%; no homozygotes.

Submissions (4):

Labcorp Genetics (formerly Invitae), Labcorp
Classification: Likely benign for Familial cancer of breast. Last evaluated: 2024-10-24. Review status: criteria provided, single submitter. Criteria: Invitae Variant Classification Sherloc (09022015). Collection method: clinical testing. Allele origin: germline.

Myriad Genetics, Inc.
Classification: Benign for Familial cancer of breast. Last evaluated: 2024-07-25. Review status: criteria provided, single submitter. Criteria: Myriad Autosomal Dominant, Autosomal Recessive and X-Linked Classification Criteria (2023). Collection method: clinical testing. Allele origin: unknown.
Comment: This variant is considered benign. This variant is a silent/synonymous amino acid change and it is not expected to impact splicing.

Color Diagnostics, LLC DBA Color Health
Classification: Likely benign for Hereditary cancer-predisposing syndrome. Last evaluated: 2023-09-05. Review status: criteria provided, single submitter. Criteria: ACMG Guidelines, 2015. Collection method: clinical testing. Allele origin: germline.

Ambry Genetics
Classification: Likely benign for Hereditary cancer-predisposing syndrome. Last evaluated: 2022-02-08. Review status: criteria provided, single submitter. Criteria: Ambry Variant Classification Scheme 2023. Collection method: clinical testing. Allele origin: germline.

NM_000465.4(BARD1):c.1557C>T (p.Ser519=)

Gene: BARD1 (BRCA1 associated RING domain 1; minus strand). Cytogenetic location: 2q35.
Variant type: single nucleotide variant.
Coding change: c.1557C>T on transcript NM_000465.4 (MANE Select); coding-DNA position 1557, C replaced by T.
Protein change: p.Ser519=; no amino-acid change (serine 519 retained).
Molecular consequence: synonymous variant. On other transcripts: non-coding transcript variant (3), intron variant (3).
Genome position (GRCh38, 1-based): chr2:214,767,493, G>A on the plus strand (C>T on the coding strand, the complement: BARD1 is on the minus strand). VCF-style: chr2-214767493-G-A. GRCh37 (hg19) VCF-style: chr2-215632217-G-A.
Other names: c.1500C>T, p.Ser500= (NM_001282543.2); c.159-14938C>T (NM_001282548.2); c.216-14938C>T (NM_001282545.2); c.364+24804C>T (NM_001282549.2).
Identifiers: ClinVar variation 1589869 (VCV001589869.13), dbSNP rs2106076207, ClinGen allele CA431128896.